The following is an entry in ClinVar:

ClinVar aggregate classification (germline): Uncertain significance (1 of 4 stars; one submission).

Allele frequency attached by ClinVar (database versions not stated): ExAC 0.00001; gnomAD 0.00001; gnomAD exomes 0.00001; TOPMed 0.00002.

Submission:

Labcorp Genetics (formerly Invitae), Labcorp
Classification: Uncertain significance. Last evaluated: 2025-06-11. Review status: criteria provided, single submitter. Criteria: Invitae Variant Classification Sherloc (09022015). Collection method: clinical testing. Allele origin: germline.
Comment: This sequence change replaces serine, which is neutral and polar, with proline, which is neutral and non-polar, at codon 577 of the MCM3AP protein (p.Ser577Pro). The frequency data for this variant in the population databases is considered unreliable, as metrics indicate poor data quality at this position in the gnomAD database. This variant has not been reported in the literature in individuals affected with MCM3AP-related conditions. ClinVar contains an entry for this variant (Variation ID: 2183890). An algorithm developed to predict the effect of missense changes on protein structure and function outputs the following: PolyPhen-2: "Benign". The proline amino acid residue is found in multiple mammalian species, which suggests that this missense change does not adversely affect protein function. In summary, the available evidence is currently insufficient to determine the role of this variant in disease. Therefore, it has been classified as a Variant of Uncertain Significance.

NM_003906.5(MCM3AP):c.1729T>C (p.Ser577Pro)

Gene: MCM3AP (minichromosome maintenance complex component 3 associated protein; minus strand). Cytogenetic location: 21q22.3.
Variant type: single nucleotide variant.
Coding change: c.1729T>C on transcript NM_003906.5 (MANE Select); coding-DNA position 1729, T replaced by C.
Protein change: p.Ser577Pro; replaces serine 577 with proline.
Molecular consequence: missense variant.
Genome position (GRCh38, 1-based): chr21:46,277,656, A>G on the plus strand (T>C on the coding strand, the complement: MCM3AP is on the minus strand). VCF-style: chr21-46277656-A-G. GRCh37 (hg19) VCF-style: chr21-47697570-A-G.
Other names: short protein forms S577P.
Identifiers: ClinVar variation 2183890 (VCV002183890.2), dbSNP rs764669244, ClinGen allele CA10076994.
Genomic context (GRCh38, chr21:46,277,656, plus strand): 5'-CTATCAGGGTACTGAGGGAGAGCACACATGGCCCGAGGCCCTCGGAGCCCTCGGAGGCTG[A>G]GTCAAAAGAGTCTCCCTCGAATTGGTGGGCCTTTAGAAGACTTGGCTTCTTCACTGGAGA-3'
Protein context (NP_003897.2, residues 567-587): AHQFEGDSFD[Ser577Pro]ASEGSEGLGP